The following is an entry in ClinVar:

ClinVar aggregate classification (germline): Pathogenic (1 of 4 stars; one submission).

Conditions:
Leukocyte adhesion deficiency 1 (LAD1). Also called: LEUKOCYTE ADHESION DEFICIENCY, TYPE I; LAD 1; Lymphocyte function-associated antigen 1 immunodeficiency; LFA 1 immunodeficiency. Identifiers: Orphanet 2968, Orphanet 99842, MedGen C0398738, MONDO:0007293, OMIM 116920.

Submission:

Labcorp Genetics (formerly Invitae), Labcorp
Classification: Pathogenic for Leukocyte adhesion deficiency 1. Last evaluated: 2024-05-18. Review status: criteria provided, single submitter. Criteria: Invitae Variant Classification Sherloc (09022015). Collection method: clinical testing. Allele origin: germline.
Comment: This sequence change creates a premature translational stop signal (p.Cys575*) in the ITGB2 gene. It is expected to result in an absent or disrupted protein product. Loss-of-function variants in ITGB2 are known to be pathogenic (PMID: 22134107, 25703682). This variant is not present in population databases (gnomAD no frequency). This variant has not been reported in the literature in individuals affected with ITGB2-related conditions. Algorithms developed to predict the effect of sequence changes on RNA splicing suggest that this variant may disrupt the consensus splice site. For these reasons, this variant has been classified as Pathogenic.

Literature cited by the submitters: PubMed 22134107; PubMed 25703682.

NM_000211.5(ITGB2):c.1725C>A (p.Cys575Ter)

Gene: ITGB2 (integrin subunit beta 2; minus strand). Cytogenetic location: 21q22.3.
Variant type: single nucleotide variant.
Coding change: c.1725C>A on transcript NM_000211.5 (MANE Select); coding-DNA position 1725, C replaced by A.
Protein change: p.Cys575Ter; replaces cysteine 575 with a stop codon.
Molecular consequence: nonsense.
Genome position (GRCh38, 1-based): chr21:44,889,428, G>T on the plus strand (C>A on the coding strand, the complement: ITGB2 is on the minus strand). VCF-style: chr21-44889428-G-T. GRCh37 (hg19) VCF-style: chr21-46309343-G-T.
Other names: c.1725C>A, p.Cys575Ter (NM_001127491.3); c.1518C>A, p.Cys506Ter (NM_001303238.2); short protein forms C575*, C506*.
Identifiers: ClinVar variation 3653796 (VCV003653796.2).